The following is an entry in ClinVar:

NM_001099403.2(PRDM8):c.1892A>G (p.Asn631Ser)

Gene: PRDM8 (PR/SET domain 8; plus strand). Cytogenetic location: 4q21.21.
Variant type: single nucleotide variant.
Coding change: c.1892A>G on transcript NM_001099403.2 (MANE Select); coding-DNA position 1892, A replaced by G.
Protein change: p.Asn631Ser; replaces asparagine 631 with serine.
Molecular consequence: missense variant.
Genome position (GRCh38, 1-based): chr4:80,203,354, A>G. VCF-style: chr4-80203354-A-G. GRCh37 (hg19) VCF-style: chr4-81124508-A-G.
Other names: c.1892A>G, p.Asn631Ser (NM_020226.4); c.1892A>G (NM_020226.3); short protein forms N631S.
Identifiers: ClinVar variation 1018386 (VCV001018386.9), dbSNP rs763030062, ClinGen allele CA2982479.

ClinVar aggregate classification (germline): Uncertain significance. Review status: criteria provided, multiple submitters, no conflicts (2 of 4 stars). 2 submissions from 2 submitters: Uncertain significance (2). Last evaluated 2025-10-15.

Conditions:
Early-onset Lafora body disease. Also called: Epilepsy, progressive myoclonic, 10. Identifiers: Orphanet 324290, MedGen C4225258, MONDO:0014717, OMIM 616640.

Allele frequency attached by ClinVar (database versions not stated): gnomAD exomes below 0.00001 and 0.00001; ExAC 0.00002.
gnomAD v4.1: 3 of 1,613,940 alleles (0.00019%); highest among the groups gnomAD compares: Admixed American, 0.0017%; no homozygotes.

Submissions (2):

Ambry Genetics
Classification: Uncertain significance. Last evaluated: 2025-10-15. Review status: criteria provided, single submitter. Criteria: Ambry Variant Classification Scheme 2023. Collection method: clinical testing. Allele origin: germline.

Labcorp Genetics (formerly Invitae), Labcorp
Classification: Uncertain significance for Early-onset Lafora body disease. Last evaluated: 2020-03-23. Review status: criteria provided, single submitter. Criteria: Invitae Variant Classification Sherloc (09022015). Collection method: clinical testing. Allele origin: germline.
Comment: This variant is present in population databases (rs763030062, ExAC 0.009%). This sequence change replaces asparagine with serine at codon 631 of the PRDM8 protein (p.Asn631Ser). The asparagine residue is highly conserved and there is a small physicochemical difference between asparagine and serine. In summary, the available evidence is currently insufficient to determine the role of this variant in disease. Therefore, it has been classified as a Variant of Uncertain Significance. Algorithms developed to predict the effect of missense changes on protein structure and function are either unavailable or do not agree on the potential impact of this missense change (SIFT: "Deleterious"; PolyPhen-2: "Benign"; Align-GVGD: "Class C0"). This variant has not been reported in the literature in individuals with PRDM8-related conditions.